The following is an entry in ClinVar:

NM_001142800.2(EYS):c.6344A>C (p.His2115Pro)

Gene: EYS (EGF-like photoreceptor maintenance factor; minus strand). Cytogenetic location: 6q12.
Variant type: single nucleotide variant.
Coding change: c.6344A>C on transcript NM_001142800.2 (MANE Select); coding-DNA position 6344, A replaced by C.
Protein change: p.His2115Pro; replaces histidine 2115 with proline.
Molecular consequence: missense variant.
Genome position (GRCh38, 1-based): chr6:64,230,672, T>G on the plus strand (A>C on the coding strand, the complement: EYS is on the minus strand). VCF-style: chr6-64230672-T-G. GRCh37 (hg19) VCF-style: chr6-64940565-T-G.
Other names: c.6344A>C, p.His2115Pro (NM_001292009.2); short protein forms H2115P.
Identifiers: ClinVar variation 1007629 (VCV001007629.8), dbSNP rs1046447869, ClinGen allele CA364391308.

ClinVar aggregate classification (germline): Uncertain significance (1 of 4 stars; one submission).

Submission:

Labcorp Genetics (formerly Invitae), Labcorp
Classification: Uncertain significance. Last evaluated: 2021-04-14. Review status: criteria provided, single submitter. Criteria: Invitae Variant Classification Sherloc (09022015). Collection method: clinical testing. Allele origin: germline.
Comment: In summary, the available evidence is currently insufficient to determine the role of this variant in disease. Therefore, it has been classified as a Variant of Uncertain Significance. Algorithms developed to predict the effect of missense changes on protein structure and function are either unavailable or do not agree on the potential impact of this missense change (SIFT: "Tolerated"; PolyPhen-2: "Benign"; Align-GVGD: "Class C25"). This variant has not been reported in the literature in individuals with EYS-related conditions. This variant is not present in population databases (ExAC no frequency). This sequence change replaces histidine with proline at codon 2115 of the EYS protein (p.His2115Pro). The histidine residue is moderately conserved and there is a moderate physicochemical difference between histidine and proline.